The following is an entry in ClinVar:

NM_000548.5(TSC2):c.4953T>C (p.Asn1651=)

Gene: TSC2 (TSC complex subunit 2; plus strand). Cytogenetic location: 16p13.3.
Variant type: single nucleotide variant.
Coding change: c.4953T>C on transcript NM_000548.5 (MANE Select); coding-DNA position 4953, T replaced by C.
Protein change: p.Asn1651=; no amino-acid change (asparagine 1651 retained).
Molecular consequence: synonymous variant.
Genome position (GRCh38, 1-based): chr16:2,086,835, T>C. VCF-style: chr16-2086835-T-C. GRCh37 (hg19) VCF-style: chr16-2136836-T-C.
Other names: c.4752T>C, p.Asn1584= (NM_001077183.3); c.4884T>C, p.Asn1628= (NM_001114382.3); c.4644T>C, p.Asn1548= (NM_001318827.2); c.4608T>C, p.Asn1536= (NM_001318829.2); c.4221T>C, p.Asn1407= (NM_001318831.2); c.4785T>C, p.Asn1595= (NM_001318832.2); c.4755T>C, p.Asn1585= (NM_001363528.2); c.4821T>C, p.Asn1607= (NM_001370404.1); and 2 more.
Identifiers: ClinVar variation 1548696 (VCV001548696.17), dbSNP rs2151588360, ClinGen allele CA492959994.

ClinVar aggregate classification (germline): Likely benign. Review status: criteria provided, multiple submitters, no conflicts (2 of 4 stars). 3 submissions from 3 submitters: Likely benign (3). Last evaluated 2025-09-28.

Conditions:
Hereditary cancer-predisposing syndrome. Also called: Tumor predisposition; Neoplastic Syndromes, Hereditary; Hereditary Cancer Syndrome; Hereditary neoplastic syndrome. Identifiers: Orphanet 140162, MedGen C0027672, MeSH D009386, MONDO:0015356.
Tuberous sclerosis 2 (TSC2). Identifiers: Orphanet 805, MedGen C1860707, MONDO:0013199, OMIM 613254.

gnomAD v4.1: 2 of 1,605,584 alleles (0.00012%); highest among the groups gnomAD compares: Non-Finnish European, 0.00017%; no homozygotes.

Submissions (3):

Labcorp Genetics (formerly Invitae), Labcorp
Classification: Likely benign for Tuberous sclerosis 2. Last evaluated: 2025-09-28. Review status: criteria provided, single submitter. Criteria: Invitae Variant Classification Sherloc (09022015). Collection method: clinical testing. Allele origin: germline.

CeGaT Center for Human Genetics Tuebingen
Classification: Likely benign. Last evaluated: 2025-08-01. Review status: criteria provided, single submitter. Criteria: CeGaT Center For Human Genetics Tuebingen Variant Classification Criteria Version 2. Collection method: clinical testing. Allele origin: germline. Affected: yes. Observed: 1 variant allele.
Comment: TSC2: BP4, BP7

Ambry Genetics
Classification: Likely benign for Hereditary cancer-predisposing syndrome. Last evaluated: 2024-08-01. Review status: criteria provided, single submitter. Criteria: Ambry Variant Classification Scheme 2023. Collection method: clinical testing. Allele origin: germline.